The following is an entry in ClinVar:

ClinVar aggregate classification (germline): Uncertain significance (1 of 4 stars; one submission).

Conditions:
Joubert syndrome 8 (JBTS8). Identifiers: Orphanet 475, MedGen C2676771, MONDO:0012855, OMIM 612291.

Allele frequency attached by ClinVar (database versions not stated): gnomAD exomes below 0.00001.
gnomAD v4.1: 4 of 1,613,706 alleles (0.00025%); highest among the groups gnomAD compares: Non-Finnish European, 0.00034%; no homozygotes.

Submission:

Labcorp Genetics (formerly Invitae), Labcorp
Classification: Uncertain significance for Joubert syndrome 8. Last evaluated: 2022-05-19. Review status: criteria provided, single submitter. Criteria: Invitae Variant Classification Sherloc (09022015). Collection method: clinical testing. Allele origin: germline.
Comment: This sequence change replaces valine, which is neutral and non-polar, with glycine, which is neutral and non-polar, at codon 67 of the ARL13B protein (p.Val67Gly). This variant is not present in population databases (gnomAD no frequency). This variant has not been reported in the literature in individuals affected with ARL13B-related conditions. Algorithms developed to predict the effect of missense changes on protein structure and function are either unavailable or do not agree on the potential impact of this missense change (SIFT: "Deleterious"; PolyPhen-2: "Probably Damaging"; Align-GVGD: "Class C0"). In summary, the available evidence is currently insufficient to determine the role of this variant in disease. Therefore, it has been classified as a Variant of Uncertain Significance.

NM_001174150.2(ARL13B):c.200T>G (p.Val67Gly)

Gene: ARL13B (ARF like GTPase 13B; plus strand). Cytogenetic location: 3q11.2.
Variant type: single nucleotide variant.
Coding change: c.200T>G on transcript NM_001174150.2 (MANE Select); coding-DNA position 200, T replaced by G.
Protein change: p.Val67Gly; replaces valine 67 with glycine.
Molecular consequence: missense variant. On other transcripts: 5 prime UTR variant (1), intron variant (1).
Genome position (GRCh38, 1-based): chr3:94,003,728, T>G. VCF-style: chr3-94003728-T-G. GRCh37 (hg19) VCF-style: chr3-93722572-T-G.
Other names: c.-110T>G (NM_001174151.2); c.155T>G, p.Val52Gly (NM_001321328.2); c.200T>G, p.Val67Gly (NM_001410782.1, NM_182896.3); c.59+23246T>G (NM_144996.4); short protein forms V52G, V67G.
Identifiers: ClinVar variation 2111689 (VCV002111689.2), dbSNP rs2471954855, ClinGen allele CA353675455.
Genomic context (GRCh38, chr3:94,003,728, plus strand): 5'-AAGATGTAGCTCCTACTGTTGGATTTTCAAAAATTAACCTTAGACAAGGAAAGTTTGAAG[T>G]CACCATCTTTGACTTGGGAGGTGGAATAAGAATTCGGGGAATCTGGAAGAATTACTATGC-3'
Protein context (NP_001167621.1, residues 57-77): KINLRQGKFE[Val67Gly]TIFDLGGGIR